The following is an entry in ClinVar:

NM_000069.3(CACNA1S):c.*310A>T

Gene: CACNA1S (calcium voltage-gated channel subunit alpha1 S; minus strand). Cytogenetic location: 1q32.1.
Variant type: single nucleotide variant.
Coding change: c.*310A>T on transcript NM_000069.3 (MANE Select); 310 bases downstream of the stop codon, A replaced by T.
Molecular consequence: 3 prime UTR variant.
Genome position (GRCh38, 1-based): chr1:201,039,521, T>A on the plus strand (A>T on the coding strand, the complement: CACNA1S is on the minus strand). VCF-style: chr1-201039521-T-A. GRCh37 (hg19) VCF-style: chr1-201008649-T-A.
Identifiers: ClinVar variation 294697 (VCV000294697.8), dbSNP rs190783634, ClinGen allele CA10609347.
Genomic context (GRCh38, chr1:201,039,521, plus strand): 5'-GGGGAAACACAGGTGTAGAAGAGTCCAAAAAACTGGACAAGCAGAGGCCAGTTGCCAGTG[T>A]CACAGGCCTGGAGATTTTAATGTCCTGCAGGTGGGAGTGGCCCTAGGCCAGACAGGCACT-3'

ClinVar aggregate classification (germline): Benign/Likely benign. Review status: criteria provided, multiple submitters, no conflicts (2 of 4 stars). 6 submissions from 3 submitters: Benign (5); Likely benign (1). Last evaluated 2023-04-11.

Conditions:
Congenital myopathy 18. Also called: DIHYDROPYRIDINE RECEPTOR CONGENITAL MYOPATHY; DHPR CONGENITAL MYOPATHY; Myopathy, congenital, due to dihydropyridine receptor defect. Identifiers: MedGen C5830283, MONDO:0859514, OMIM 620246.
Thyrotoxic periodic paralysis, susceptibility to, 1 (TTPP1). Identifiers: Orphanet 79102, MedGen C2749982, MONDO:0008570, OMIM 188580.
Malignant hyperthermia, susceptibility to, 5 (MHS5). Also called: CACNA1S-Related Malignant Hyperthermia Susceptibility. Identifiers: Orphanet 423, MedGen C1866077, MONDO:0011163, OMIM 601887.
Hypokalemic periodic paralysis, type 1. Also called: Hypokalemic Periodic Paralysis Type 1 (AD); HypoPP. Identifiers: Orphanet 681, MedGen C3714580, MONDO:0042979, OMIM 170400.

Allele frequency attached by ClinVar (database versions not stated): gnomAD exomes 0.00056; 1000 Genomes Project 0.00319; 1000 Genomes Project 30x 0.00390; gnomAD 0.00475 and 0.00503; TOPMed 0.00528.
gnomAD v4.1: 913 of 476,440 alleles (0.19%); highest among the groups gnomAD compares: African/African-American, 1.6%; 5 homozygotes.

Submissions (6):

Genome-Nilou Lab
Classification: Benign for Malignant hyperthermia, susceptibility to, 5. Last evaluated: 2023-04-11. Review status: criteria provided, single submitter. Criteria: ACMG Guidelines, 2015. Collection method: clinical testing. Allele origin: germline. Affected: no.

Genome-Nilou Lab
Classification: Benign for Thyrotoxic periodic paralysis, susceptibility to, 1. Last evaluated: 2023-04-11. Review status: criteria provided, single submitter. Criteria: ACMG Guidelines, 2015. Collection method: clinical testing. Allele origin: germline. Affected: no.

Genome-Nilou Lab
Classification: Benign for Congenital myopathy 18. Last evaluated: 2023-04-11. Review status: criteria provided, single submitter. Criteria: ACMG Guidelines, 2015. Collection method: clinical testing. Allele origin: germline. Affected: no.

Genome-Nilou Lab
Classification: Benign for Hypokalemic periodic paralysis, type 1. Last evaluated: 2023-04-11. Review status: criteria provided, single submitter. Criteria: ACMG Guidelines, 2015. Collection method: clinical testing. Allele origin: germline. Affected: no.

GeneDx
Classification: Likely benign. Last evaluated: 2018-08-17. Review status: criteria provided, single submitter. Criteria: GeneDx Variant Classification Process June 2021. Collection method: clinical testing. Allele origin: germline. Affected: yes.

Illumina Laboratory Services, Illumina
Classification: Benign for Hypokalemic periodic paralysis, type 1. Last evaluated: 2018-01-12. Review status: criteria provided, single submitter. Criteria: ICSL Variant Classification Criteria 13 December 2019. Collection method: clinical testing. Allele origin: germline.
Comment: This variant was observed in the ICSL laboratory as part of a predisposition screen in an ostensibly healthy population. It had not been previously curated by ICSL or reported in the Human Gene Mutation Database (HGMD: prior to June 1st, 2018), and was therefore a candidate for classification through an automated scoring system. Utilizing variant allele frequency, disease prevalence and penetrance estimates, and inheritance mode, an automated score was calculated to assess if this variant is too frequent to cause the disease. Based on the score and internal cut-off values, a variant classified as benign is not then subjected to further curation. The score for this variant resulted in a classification of benign for this disease.